The following is an entry in ClinVar:

NM_002528.7(NTHL1):c.711C>G (p.Ile237Met)

Gene: NTHL1 (nth like DNA glycosylase 1; minus strand). Cytogenetic location: 16p13.3.
Variant type: single nucleotide variant.
Coding change: c.711C>G on transcript NM_002528.7 (MANE Select); coding-DNA position 711, C replaced by G.
Protein change: p.Ile237Met; replaces isoleucine 237 with methionine.
Molecular consequence: missense variant.
Genome position (GRCh38, 1-based): chr16:2,040,213, G>C on the plus strand (C>G on the coding strand, the complement: NTHL1 is on the minus strand). VCF-style: chr16-2040213-G-C. GRCh37 (hg19) VCF-style: chr16-2090214-G-C.
Other names: c.540C>G, p.Ile180Met (NM_001318193.2); c.381C>G, p.Ile127Met (NM_001318194.2); short protein forms I237M, I127M, I180M.
Identifiers: ClinVar variation 3922261 (VCV003922261.1).

ClinVar aggregate classification (germline): Uncertain significance (1 of 4 stars; one submission).

Conditions:
Hereditary cancer-predisposing syndrome. Also called: Hereditary Cancer Syndrome; Hereditary neoplastic syndrome; Neoplastic Syndromes, Hereditary; Tumor predisposition. Identifiers: Orphanet 140162, MedGen C0027672, MeSH D009386, MONDO:0015356.

Submission:

Ambry Genetics
Classification: Uncertain significance for Hereditary cancer-predisposing syndrome. Last evaluated: 2025-06-03. Review status: criteria provided, single submitter. Criteria: Ambry Variant Classification Scheme 2023. Collection method: clinical testing. Allele origin: germline.
Comment: The p.I245M variant (also known as c.735C>G), located in coding exon 5 of the NTHL1 gene, results from a C to G substitution at nucleotide position 735. The isoleucine at codon 245 is replaced by methionine, an amino acid with highly similar properties. This amino acid position is conserved. In addition, this alteration is predicted to be deleterious by in silico analysis. Based on the available evidence, the clinical significance of this variant remains unclear.